The following is an entry in ClinVar:

NM_001001331.4(ATP2B2):c.2505C>T (p.Phe835=)

Gene: ATP2B2 (ATPase plasma membrane Ca2+ transporting 2; minus strand). Cytogenetic location: 3p25.3.
Variant type: single nucleotide variant.
Coding change: c.2505C>T on transcript NM_001001331.4 (MANE Select); coding-DNA position 2505, C replaced by T.
Protein change: p.Phe835=; no amino-acid change (phenylalanine 835 retained).
Molecular consequence: synonymous variant.
Genome position (GRCh38, 1-based): chr3:10,346,037, G>A on the plus strand (C>T on the coding strand, the complement: ATP2B2 is on the minus strand). VCF-style: chr3-10346037-G-A. GRCh37 (hg19) VCF-style: chr3-10387721-G-A.
Other names: c.2370C>T, p.Phe790= (NM_001330611.3, NM_001353564.1, NM_001363862.1 and 1 more transcripts).
Identifiers: ClinVar variation 3053241 (VCV003053241.3), dbSNP rs770755497, ClinGen allele CA2253361.
Genomic context (GRCh38, chr3:10,346,037, plus strand): 5'-TAGTCCAATCTCCCCAGCCCCCACCACCCCAGGCCCTCTGTGGGCCGTTCCTACCATGGC[G>A]AAGCCCACGTCGGCCTTCTTGAGTGCAGGCCCGTCGTTGGTCCCGTCCCCCGTCACGGCC-3'
Protein context (NP_001001331.1, residues 825-845): GPALKKADVG[Phe835=]AMGIAGTDVA

ClinVar aggregate classification (germline): Likely benign. Review status: criteria provided, single submitter (1 of 4 stars). 2 submissions from 2 submitters: Likely benign (1). 1 of the submissions does not count toward it. Last evaluated 2025-11-11.

Conditions:
ATP2B2-related disorder. Also called: ATP2B2-related condition.

Allele frequency attached by ClinVar (database versions not stated): TOPMed 0.00005; ExAC 0.00007; gnomAD exomes 0.00008; gnomAD 0.00010.
gnomAD v4.1: 129 of 1,611,404 alleles (0.008%); highest among the groups gnomAD compares: Middle Eastern, 0.049%; 2 homozygotes.

Submissions (2):

Labcorp Genetics (formerly Invitae), Labcorp
Classification: Likely benign. Last evaluated: 2025-11-11. Review status: criteria provided, single submitter. Criteria: Invitae Variant Classification Sherloc (09022015). Collection method: clinical testing. Allele origin: germline.

PreventionGenetics, part of Exact Sciences
Classification: Likely benign for ATP2B2-related condition. Last evaluated: 2019-08-13. Review status: no assertion criteria provided. Collection method: clinical testing. Allele origin: germline. Not counted in ClinVar's aggregate classification.
Comment: This variant is classified as likely benign based on ACMG/AMP sequence variant interpretation guidelines (Richards et al. 2015 PMID: 25741868, with internal and published modifications).